The following is an entry in ClinVar:

NM_178012.5(TUBB2B):c.682C>G (p.Leu228Val)

Gene: TUBB2B (tubulin beta 2B class IIb; minus strand). Cytogenetic location: 6p25.2.
Variant type: single nucleotide variant.
Coding change: c.682C>G on transcript NM_178012.5 (MANE Select); coding-DNA position 682, C replaced by G.
Protein change: p.Leu228Val; replaces leucine 228 with valine.
Molecular consequence: missense variant.
Genome position (GRCh38, 1-based): chr6:3,225,407, G>C on the plus strand (C>G on the coding strand, the complement: TUBB2B is on the minus strand). VCF-style: chr6-3225407-G-C. GRCh37 (hg19) VCF-style: chr6-3225641-G-C.
Other names: short protein forms L228V.
Identifiers: ClinVar variation 5031534 (VCV005031534.1).

ClinVar aggregate classification (germline): Uncertain significance (1 of 4 stars; one submission).

Conditions:
Inborn genetic diseases. Identifiers: MedGen C0950123, MeSH D030342.

Submission:

Ambry Genetics
Classification: Uncertain significance for Inborn genetic diseases. Last evaluated: 2026-07-13. Review status: criteria provided, single submitter. Criteria: Ambry Variant Classification Scheme 2023. Collection method: clinical testing. Allele origin: germline.
Comment: The c.682C>G (p.L228V) alteration is located in exon 4 (coding exon 4) of the TUBB2B gene. This alteration results from a C to G substitution at nucleotide position 682, causing the leucine (L) at amino acid position 228 to be replaced by a valine (V). This variant was not reported in population-based cohorts in the Genome Aggregation Database (gnomAD). This amino acid position is highly conserved in available vertebrate species. This missense variant is located in a region that has a low rate of benign missense variation (Lek, 2016; Firth, 2009). The in silico prediction for this alteration is inconclusive. Based on insufficient or conflicting evidence, the clinical significance of this alteration remains unclear.